The following is an entry in ClinVar:

NM_016343.4(CENPF):c.8978C>T (p.Pro2993Leu)

Gene: CENPF (centromere protein F; plus strand). Cytogenetic location: 1q41.
Variant type: single nucleotide variant.
Coding change: c.8978C>T on transcript NM_016343.4 (MANE Select); coding-DNA position 8978, C replaced by T.
Protein change: p.Pro2993Leu; replaces proline 2993 with leucine.
Molecular consequence: missense variant.
Genome position (GRCh38, 1-based): chr1:214,658,865, C>T. VCF-style: chr1-214658865-C-T. GRCh37 (hg19) VCF-style: chr1-214832208-C-T.
Other names: short protein forms P2993L.
Identifiers: ClinVar variation 4800981 (VCV004800981.1).

ClinVar aggregate classification (germline): Uncertain significance (1 of 4 stars; one submission).

Submission:

Labcorp Genetics (formerly Invitae), Labcorp
Classification: Uncertain significance. Last evaluated: 2025-06-22. Review status: criteria provided, single submitter. Criteria: Invitae Variant Classification Sherloc (09022015). Collection method: clinical testing. Allele origin: germline.
Comment: This sequence change replaces proline, which is neutral and non-polar, with leucine, which is neutral and non-polar, at codon 2993 of the CENPF protein (p.Pro2993Leu). This variant is present in population databases (rs776048878, gnomAD 0.02%). This variant has not been reported in the literature in individuals affected with CENPF-related conditions. An algorithm developed to predict the effect of missense changes on protein structure and function (PolyPhen-2) suggests that this variant is likely to be disruptive. In summary, the available evidence is currently insufficient to determine the role of this variant in disease. Therefore, it has been classified as a Variant of Uncertain Significance.